The following is an entry in ClinVar:

ClinVar aggregate classification (germline): Uncertain significance (1 of 4 stars; one submission).

Conditions:
Hereditary cancer-predisposing syndrome. Also called: Tumor predisposition; Hereditary neoplastic syndrome; Neoplastic Syndromes, Hereditary; Hereditary Cancer Syndrome. Identifiers: Orphanet 140162, MedGen C0027672, MeSH D009386, MONDO:0015356.

Allele frequency attached by ClinVar (database versions not stated): gnomAD exomes below 0.00001 and 0.00001; ExAC 0.00001; gnomAD 0.00001; TOPMed 0.00001; 1000 Genomes Project 30x 0.00016; 1000 Genomes Project 0.00020.

Submission:

Labcorp Genetics (formerly Invitae), Labcorp
Classification: Uncertain significance for Hereditary cancer-predisposing syndrome. Last evaluated: 2023-07-28. Review status: criteria provided, single submitter. Criteria: Invitae Variant Classification Sherloc (09022015). Collection method: clinical testing. Allele origin: germline.
Comment: This sequence change falls in intron 18 of the RAD50 gene. It does not directly change the encoded amino acid sequence of the RAD50 protein. It affects a nucleotide within the consensus splice site. This variant is present in population databases (rs575775108, gnomAD 0.01%). This variant has not been reported in the literature in individuals affected with RAD50-related conditions. ClinVar contains an entry for this variant (Variation ID: 857307). Variants that disrupt the consensus splice site are a relatively common cause of aberrant splicing (PMID: 17576681, 9536098). Algorithms developed to predict the effect of sequence changes on RNA splicing suggest that this variant is not likely to affect RNA splicing. In summary, the available evidence is currently insufficient to determine the role of this variant in disease. Therefore, it has been classified as a Variant of Uncertain Significance.

Literature cited by the submitters: PubMed 17576681; PubMed 9536098.

NM_005732.4(RAD50):c.2922+6T>G

Gene: RAD50 (RAD50 double strand break repair protein; plus strand). Cytogenetic location: 5q31.1.
Variant type: single nucleotide variant.
Coding change: c.2922+6T>G on transcript NM_005732.4 (MANE Select); 6 bases into the intron after coding-DNA position 2922, T replaced by G.
Molecular consequence: intron variant.
Genome position (GRCh38, 1-based): chr5:132,609,215, T>G. VCF-style: chr5-132609215-T-G. GRCh37 (hg19) VCF-style: chr5-131944907-T-G.
Identifiers: ClinVar variation 857307 (VCV000857307.10), dbSNP rs575775108, ClinGen allele CA3405479.